The following is an entry in ClinVar:

ClinVar aggregate classification (germline): Uncertain significance (1 of 4 stars; one submission).

Conditions:
Ataxia-telangiectasia syndrome (AT). Also called: ATAXIA-TELANGIECTASIA, COMPLEMENTATION GROUP A; ATAXIA-TELANGIECTASIA, FRESNO VARIANT; Ataxia-telangiectasia; LOUIS-BAR SYNDROME; Cerebello-oculocutaneous telangiectasia; Immunodeficiency with ataxia telangiectasia. Identifiers: Orphanet 100, MedGen C0004135, MONDO:0008840, OMIM 208900.

Submission:

Labcorp Genetics (formerly Invitae), Labcorp
Classification: Uncertain significance for Ataxia-telangiectasia syndrome. Last evaluated: 2025-03-25. Review status: criteria provided, single submitter. Criteria: Invitae Variant Classification Sherloc (09022015). Collection method: clinical testing. Allele origin: germline.
Comment: This variant, c.5009_5011del, results in the deletion of 1 amino acid(s) of the ATM protein (p.Ala1670del), but otherwise preserves the integrity of the reading frame. This variant is not present in population databases (gnomAD no frequency). This variant has not been reported in the literature in individuals affected with ATM-related conditions. Experimental studies and prediction algorithms are not available or were not evaluated, and the functional significance of this variant is currently unknown. In summary, the available evidence is currently insufficient to determine the role of this variant in disease. Therefore, it has been classified as a Variant of Uncertain Significance.

NM_000051.4(ATM):c.5009_5011del (p.Ala1670del)

Gene: ATM (ATM serine/threonine kinase; plus strand). Cytogenetic location: 11q22.3.
Variant type: Deletion.
Coding change: c.5009_5011del on transcript NM_000051.4 (MANE Select); coding-DNA positions 5009 to 5011, 3 bases deleted (CTG; older notation c.5009_5011delCTG).
Protein change: p.Ala1670del; deletes alanine 1670.
Molecular consequence: inframe deletion.
Genome position (GRCh38, 1-based): chr11:108,299,717-108,299,719, CTG deleted; deleting any 3 consecutive bases within chr11:108,299,716-108,299,719 gives the same sequence; the c. name uses the placement nearest the transcript's 3' end. VCF-style (leftmost placement, unchanged base first): chr11-108299715-GGCT-G. GRCh37 (hg19) VCF-style: chr11-108170442-GGCT-G.
Other names: c.5009_5011del, p.Ala1670del (NM_001351834.2); short protein forms A1670del.
Identifiers: ClinVar variation 4715879 (VCV004715879.1).